The following is an entry in ClinVar:

NM_174936.4(PCSK9):c.996+48_996+53del

Gene: PCSK9 (proprotein convertase subtilisin/kexin type 9; plus strand). Cytogenetic location: 1p32.3.
Variant type: Deletion.
Coding change: c.996+48_996+53del on transcript NM_174936.4 (MANE Select); bases 48 to 53 of the intron after coding-DNA position 996, 6 bases deleted (CGGAGG; older notation c.996+48_996+53delCGGAGG).
Molecular consequence: intron variant.
Genome position (GRCh38, 1-based): chr1:55,056,237-55,056,242, CGGAGG deleted; deleting any 6 consecutive bases within chr1:55,056,235-55,056,242 gives the same sequence; the c. name uses the placement nearest the transcript's 3' end. VCF-style (leftmost placement, unchanged base first): chr1-55056234-GGGCGGA-G. GRCh37 (hg19) VCF-style: chr1-55521907-GGGCGGA-G.
Other names: c.621+48_621+53del (NM_001407246.1); c.1119+48_1119+53del (NM_001407240.1); c.999+48_999+53del (NM_001407242.1); c.996+48_996+53del (NM_001407241.1, NM_001407244.1, NM_001407247.1); c.939+48_939+53del (NM_001407243.1); c.804+48_804+53del (NM_001407245.1).
Identifiers: ClinVar variation 5037858 (VCV005037858.1), dbSNP rs767853260.
Genomic context (GRCh38, chr1:55,056,234, plus strand): 5'-AGCCTCAGCTCCCGAGGTAGGTGCTGGGGCTGCTGCCCCAAGGCGCGGGTAGGGGGCGGA[GGGCGGA>G]GGGCGGAGGGAGGGCGGGCGGGCAGGCGGGCTTCTTGTGGCACGTGGGCTTCTTGTGGCA-3'

ClinVar aggregate classification (germline): Benign (1 of 4 stars; one submission).

Submission:

Molecular Diagnostic Laboratory for Inherited Cardiovascular Disease, Montreal Heart Institute
Classification: Benign. Last evaluated: 2026-09-21. Review status: criteria provided, single submitter. Criteria: ACMG Guidelines, 2015. Collection method: clinical testing. Allele origin: germline. Affected: no.
Comment: BA1